The following is an entry in ClinVar:

ClinVar aggregate classification (germline): Likely benign. Review status: criteria provided, multiple submitters, no conflicts (2 of 4 stars). 2 submissions from 2 submitters: Likely benign (2). Last evaluated 2025-04-22.

Conditions:
ABCC2-related disorder. Also called: ABCC2-related condition.

Allele frequency attached by ClinVar (database versions not stated): gnomAD 0.00001; gnomAD exomes 0.00002; TOPMed 0.00002; ExAC 0.00006.
gnomAD v4.1: 31 of 1,613,690 alleles (0.0019%); highest among the groups gnomAD compares: East Asian, 0.058%; no homozygotes.

Submissions (2):

PreventionGenetics, part of Exact Sciences
Classification: Likely benign for ABCC2-related condition. Last evaluated: 2025-04-22. Review status: criteria provided, single submitter. Criteria: ACMG Guidelines, 2015. Collection method: clinical testing. Allele origin: germline.
Comment: This variant is classified as likely benign based on ACMG/AMP sequence variant interpretation guidelines (Richards et al. 2015 PMID: 25741868, with internal and published modifications).

Labcorp Genetics (formerly Invitae), Labcorp
Classification: Likely benign. Last evaluated: 2024-02-18. Review status: criteria provided, single submitter. Criteria: Invitae Variant Classification Sherloc (09022015). Collection method: clinical testing. Allele origin: germline.

NM_000392.5(ABCC2):c.333+9T>C

Gene: ABCC2 (ATP binding cassette subfamily C member 2; plus strand). Cytogenetic location: 10q24.2.
Variant type: single nucleotide variant.
Coding change: c.333+9T>C on transcript NM_000392.5 (MANE Select); 9 bases into the intron after coding-DNA position 333, T replaced by C.
Molecular consequence: intron variant.
Genome position (GRCh38, 1-based): chr10:99,792,368, T>C. VCF-style: chr10-99792368-T-C. GRCh37 (hg19) VCF-style: chr10-101552125-T-C.
Other names: c.333+9T>C (NM_000392.4).
Identifiers: ClinVar variation 2900663 (VCV002900663.4), dbSNP rs754406474, ClinGen allele CA5642845.